The following is an entry in ClinVar:

NM_001378615.1(CC2D2A):c.311T>C (p.Met104Thr)

Genes: CC2D2A (coiled-coil and C2 domain containing 2A; plus strand), FBXL5 (F-box and leucine rich repeat protein 5; minus strand). Cytogenetic location: 4p15.32.
Variant type: single nucleotide variant.
Coding change: c.311T>C on transcript NM_001378615.1 (MANE Select); coding-DNA position 311, T replaced by C.
Protein change: p.Met104Thr; replaces methionine 104 with threonine.
Molecular consequence: missense variant.
Genome position (GRCh38, 1-based): chr4:15,502,492, T>C. VCF-style: chr4-15502492-T-C. GRCh37 (hg19) VCF-style: chr4-15504115-T-C.
Other names: c.311T>C, p.Met104Thr (NM_001080522.2); c.164T>C, p.Met55Thr (NM_001378617.1); short protein forms M104T, M55T.
Identifiers: ClinVar variation 1935758 (VCV001935758.3), dbSNP rs2108998358, ClinGen allele CA356408169.

ClinVar aggregate classification (germline): Uncertain significance (1 of 4 stars; one submission).

Conditions:
Joubert syndrome. Also called: Familial aplasia of the vermis; JOUBERT-BOLTSHAUSER SYNDROME. Identifiers: Orphanet 475, MedGen C5979921, MONDO:0018772.
Meckel-Gruber syndrome. Also called: Dysencephalia splachnocystica; DYSENCEPHALIA SPLANCHNOCYSTICA; GRUBER SYNDROME. Identifiers: Orphanet 564, MedGen C0265215, MONDO:0018921.

Submission:

Labcorp Genetics (formerly Invitae), Labcorp
Classification: Uncertain significance for Joubert syndrome; Meckel-Gruber syndrome. Last evaluated: 2025-09-02. Review status: criteria provided, single submitter. Criteria: Invitae Variant Classification Sherloc (09022015). Collection method: clinical testing. Allele origin: germline.
Comment: This sequence change replaces methionine, which is neutral and non-polar, with threonine, which is neutral and polar, at codon 104 of the CC2D2A protein (p.Met104Thr). This variant is not present in population databases (gnomAD no frequency). This variant has not been reported in the literature in individuals affected with CC2D2A-related conditions. ClinVar contains an entry for this variant (Variation ID: 1935758). Invitae Evidence Modeling of protein sequence and biophysical properties (such as structural, functional, and spatial information, amino acid conservation, physicochemical variation, residue mobility, and thermodynamic stability) indicates that this missense variant is expected to disrupt CC2D2A protein function with a positive predictive value of 80%. In summary, the available evidence is currently insufficient to determine the role of this variant in disease. Therefore, it has been classified as a Variant of Uncertain Significance.